The following is an entry in ClinVar:

NM_004208.4(AIFM1):c.143_145del (p.Leu48del)

Genes: AIFM1 (apoptosis inducing factor mitochondria associated 1; minus strand), RAB33A (RAB33A, member RAS oncogene family; plus strand). Cytogenetic location: Xq26.1.
Variant type: Deletion.
Coding change: c.143_145del on transcript NM_004208.4 (MANE Select); coding-DNA positions 143 to 145, 3 bases deleted (TCC; older notation c.143_145delTCC).
Protein change: p.Leu48del; deletes leucine 48.
Molecular consequence: inframe deletion. On other transcripts: intron variant (1).
Genome position (GRCh38, 1-based): chrX:130,156,565-130,156,567, GGA deleted on the plus strand (TCC on the coding strand, the reverse complement: AIFM1 is on the minus strand); deleting any 3 consecutive bases within chrX:130,156,565-130,156,568 gives the same sequence; the c. name uses the placement nearest the transcript's 3' end. VCF-style (leftmost placement, unchanged base first): chrX-130156564-TGGA-T. GRCh37 (hg19) VCF-style: chrX-129290538-TGGA-T.
Other names: c.143_145del, p.Leu48del (NM_001130847.4); c.107-1281_107-1279del (NM_145812.3); c.143_145delTCC (NM_004208.3); short protein forms L48del.
Identifiers: ClinVar variation 938655 (VCV000938655.12), dbSNP rs1227558669, ClinGen allele CA644167101.

ClinVar aggregate classification (germline): Uncertain significance. Review status: criteria provided, multiple submitters, no conflicts (2 of 4 stars). 3 submissions from 3 submitters: Uncertain significance (3). Last evaluated 2025-11-03.

Conditions:
Combined oxidative phosphorylation deficiency. Identifiers: MedGen C4540031, MONDO:0000732.
Charcot-Marie-Tooth Neuropathy X. Identifiers: MedGen CN118851.
AIFM1-related disorder. Also called: AIFM1-related condition.

Submissions (3):

PreventionGenetics, part of Exact Sciences
Classification: Uncertain significance for AIFM1-related condition. Last evaluated: 2025-11-03. Review status: criteria provided, single submitter. Criteria: ACMG Guidelines, 2015. Collection method: clinical testing. Allele origin: germline.
Comment: The AIFM1 c.143_145delTCC variant is predicted to result in an in-frame deletion (p.Leu48del). To our knowledge, this variant has not been reported in the literature. This variant is reported in 0.0012% of alleles in individuals of European (non-Finnish) descent in gnomAD, including 1 hemizygous individual. At this time, the clinical significance of this variant is uncertain due to the absence of conclusive functional and genetic evidence.

GeneDx
Classification: Uncertain significance. Last evaluated: 2025-02-22. Review status: criteria provided, single submitter. Criteria: GeneDx Variant Classification Process June 2021. Collection method: clinical testing. Allele origin: germline.
Comment: Not observed at significant frequency in large population cohorts (gnomAD); In-frame deletion of 1 amino acid in a non-repeat region; In silico analysis indicates that this variant does not alter protein structure/function; Has not been previously published as pathogenic or benign to our knowledge

Labcorp Genetics (formerly Invitae), Labcorp
Classification: Uncertain significance for Charcot-Marie-Tooth Neuropathy X; Combined oxidative phosphorylation deficiency. Last evaluated: 2022-09-06. Review status: criteria provided, single submitter. Criteria: Invitae Variant Classification Sherloc (09022015). Collection method: clinical testing. Allele origin: germline.
Comment: This variant has not been reported in the literature in individuals affected with AIFM1-related conditions. In summary, the available evidence is currently insufficient to determine the role of this variant in disease. Therefore, it has been classified as a Variant of Uncertain Significance. Experimental studies and prediction algorithms are not available or were not evaluated, and the functional significance of this variant is currently unknown. ClinVar contains an entry for this variant (Variation ID: 938655). This variant is present in population databases (no rsID available, gnomAD 0.001%). This variant, c.143_145del, results in the deletion of 1 amino acid(s) of the AIFM1 protein (p.Leu48del), but otherwise preserves the integrity of the reading frame.